The following is an entry in ClinVar:

NM_004991.4(MECOM):c.2083T>C (p.Phe695Leu)

Gene: MECOM (MDS1 and EVI1 complex locus; minus strand). Cytogenetic location: 3q26.2.
Variant type: single nucleotide variant.
Coding change: c.2083T>C on transcript NM_004991.4 (MANE Select); coding-DNA position 2083, T replaced by C.
Protein change: p.Phe695Leu; replaces phenylalanine 695 with leucine.
Molecular consequence: missense variant. On other transcripts: intron variant (2).
Genome position (GRCh38, 1-based): chr3:169,115,789, A>G on the plus strand (T>C on the coding strand, the complement: MECOM is on the minus strand). VCF-style: chr3-169115789-A-G. GRCh37 (hg19) VCF-style: chr3-168833577-A-G.
Other names: c.1522T>C, p.Phe508Leu (NM_001366468.2, NM_001366470.2, NM_001163999.2 and 1 more transcripts); c.1519T>C, p.Phe507Leu (NM_001366469.2, NM_001366471.2, NM_001366472.2 and 4 more transcripts); c.1133-22T>C (NM_001366473.2); c.569-22T>C (NM_001366474.2); c.1714T>C, p.Phe572Leu (NM_001105077.4); c.2083T>C, p.Phe695Leu (NM_001366466.2); short protein forms F507L, F572L, F508L, F695L.
Identifiers: ClinVar variation 5024209 (VCV005024209.1).

ClinVar aggregate classification (germline): Uncertain significance (1 of 4 stars; one submission).

Conditions:
Inborn genetic diseases. Identifiers: MedGen C0950123, MeSH D030342.

Submission:

Ambry Genetics
Classification: Uncertain significance for Inborn genetic diseases. Last evaluated: 2026-09-05. Review status: criteria provided, single submitter. Criteria: Ambry Variant Classification Scheme 2023. Collection method: clinical testing. Allele origin: germline.
Comment: The p.F695L variant (also known as c.2083T>C), located in coding exon 8 of the MECOM gene, results from a T to C substitution at nucleotide position 2083. The phenylalanine at codon 695 is replaced by leucine, an amino acid with highly similar properties. This amino acid position is conserved. In addition, the in silico prediction for this alteration is inconclusive. Based on the available evidence, the clinical significance of this variant remains unclear.